The following is an entry in ClinVar:

NM_000130.5(F5):c.696C>A (p.Tyr232Ter)

Gene: F5 (coagulation factor V; minus strand). Cytogenetic location: 1q24.2.
Variant type: single nucleotide variant.
Coding change: c.696C>A on transcript NM_000130.5 (MANE Select); coding-DNA position 696, C replaced by A.
Protein change: p.Tyr232Ter; replaces tyrosine 232 with a stop codon.
Molecular consequence: nonsense.
Genome position (GRCh38, 1-based): chr1:169,559,187, G>T on the plus strand (C>A on the coding strand, the complement: F5 is on the minus strand). VCF-style: chr1-169559187-G-T. GRCh37 (hg19) VCF-style: chr1-169528425-G-T.
Other names: short protein forms Y232*.
Identifiers: ClinVar variation 1703832 (VCV001703832.1), dbSNP rs1389180171, ClinGen allele CA343135670.

ClinVar aggregate classification (germline): Likely pathogenic (1 of 4 stars; one submission).

Conditions:
Factor V deficiency. Also called: Reduced coagulation factor V activity. Identifiers: Orphanet 326, MedGen C4317320, MONDO:0020586, HP:0003225.

Submission:

ISTH-SSC Genomics in Thrombosis and Hemostasis, KU Leuven, Center for Molecular and Vascular Biology
Classification: Likely pathogenic for Congenital factor V deficiency. Review status: criteria provided, single submitter. Criteria: ACMG Guidelines, 2015. Collection method: clinical testing. Allele origin: germline. Affected: yes. Observed: 1 heterozygote.
Comment: Submitted to GoldVariant by Kathleen Freson, Center for Molecular and Vascular Biology, Leuven, Belgium